The following is an entry in ClinVar:

ClinVar aggregate classification (germline): Uncertain significance. Review status: criteria provided, multiple submitters, no conflicts (2 of 4 stars). 2 submissions from 2 submitters: Uncertain significance (2). Last evaluated 2024-10-22.

Conditions:
Developmental and epileptic encephalopathy, 37 (DEE37). Also called: Epileptic encephalopathy, early infantile, 37. Identifiers: MedGen C4310770, MONDO:0014859, OMIM 616981.

Allele frequency attached by ClinVar (database versions not stated): TOPMed below 0.00001.

Submissions (2):

Labcorp Genetics (formerly Invitae), Labcorp
Classification: Uncertain significance for Developmental and epileptic encephalopathy, 37. Last evaluated: 2024-10-22. Review status: criteria provided, single submitter. Criteria: Invitae Variant Classification Sherloc (09022015). Collection method: clinical testing. Allele origin: germline.
Comment: This sequence change replaces glycine, which is neutral and non-polar, with arginine, which is basic and polar, at codon 206 of the FRRS1L protein (p.Gly206Arg). This variant is not present in population databases (gnomAD no frequency). This variant has not been reported in the literature in individuals affected with FRRS1L-related conditions. ClinVar contains an entry for this variant (Variation ID: 836181). An algorithm developed to predict the effect of missense changes on protein structure and function (PolyPhen-2) suggests that this variant is likely to be disruptive. In summary, the available evidence is currently insufficient to determine the role of this variant in disease. Therefore, it has been classified as a Variant of Uncertain Significance.

GeneDx
Classification: Uncertain significance. Last evaluated: 2022-03-23. Review status: criteria provided, single submitter. Criteria: GeneDx Variant Classification Process June 2021. Collection method: clinical testing. Allele origin: germline. Affected: yes.
Comment: Not observed at significant frequency in large population cohorts (gnomAD); In silico analysis supports that this missense variant has a deleterious effect on protein structure/function; Has not been previously published as pathogenic or benign to our knowledge

NM_014334.4(FRRS1L):c.463G>C (p.Gly155Arg)

Gene: FRRS1L (ferric chelate reductase 1 like; minus strand). Cytogenetic location: 9q31.3.
Variant type: single nucleotide variant.
Coding change: c.463G>C on transcript NM_014334.4 (MANE Select); coding-DNA position 463, G replaced by C.
Protein change: p.Gly155Arg; replaces glycine 155 with arginine.
Molecular consequence: missense variant.
Genome position (GRCh38, 1-based): chr9:109,141,589, C>G on the plus strand (G>C on the coding strand, the complement: FRRS1L is on the minus strand). VCF-style: chr9-109141589-C-G. GRCh37 (hg19) VCF-style: chr9-111903869-C-G.
Other names: short protein forms G155R.
Identifiers: ClinVar variation 836181 (VCV000836181.14), dbSNP rs1831187141, ClinGen allele CA374425406.
Genomic context (GRCh38, chr9:109,141,589, plus strand): 5'-AGTGCTGTATGCGGACCCTGCCATTGTCATCATGGACGCAGGCCATGACATCATCACCAC[C>G]CTAACATGAGAAATGATTGAGAAAAAAAAAAGTCAAAGGTTCATCTTTTGCACACTGGTC-3'
Protein context (NP_055149.3, residues 145-165): AVGFSSDKKM[Gly155Arg]GDDVMACVHD